The following is an entry in ClinVar:

NM_005918.4(MDH2):c.350A>G (p.Asn117Ser)

Gene: MDH2 (malate dehydrogenase 2; plus strand). Cytogenetic location: 7q11.23.
Variant type: single nucleotide variant.
Coding change: c.350A>G on transcript NM_005918.4 (MANE Select); coding-DNA position 350, A replaced by G.
Protein change: p.Asn117Ser; replaces asparagine 117 with serine.
Molecular consequence: missense variant.
Genome position (GRCh38, 1-based): chr7:76,057,999, A>G. VCF-style: chr7-76057999-A-G. GRCh37 (hg19) VCF-style: chr7-75687317-A-G.
Other names: c.350A>G, p.Asn117Ser (NM_001282403.2); c.29A>G, p.Asn10Ser (NM_001282404.2); c.350A>G (NM_005918.2); short protein forms N10S, N117S.
Identifiers: ClinVar variation 2180464 (VCV002180464.4), dbSNP rs782678758, ClinGen allele CA4305507.

ClinVar aggregate classification (germline): Uncertain significance. Review status: criteria provided, multiple submitters, no conflicts (2 of 4 stars). 2 submissions from 2 submitters: Uncertain significance (2). Last evaluated 2026-01-26.

Conditions:
Inborn genetic diseases. Identifiers: MedGen C0950123, MeSH D030342.

Allele frequency attached by ClinVar (database versions not stated): gnomAD 0.00001; gnomAD exomes 0.00001; TOPMed 0.00001; ExAC 0.00002.
gnomAD v4.1: 16 of 1,614,024 alleles (0.00099%); highest among the groups gnomAD compares: Admixed American, 0.01%; no homozygotes.

Submissions (2):

Labcorp Genetics (formerly Invitae), Labcorp
Classification: Uncertain significance. Last evaluated: 2026-01-26. Review status: criteria provided, single submitter. Criteria: Invitae Variant Classification Sherloc (09022015). Collection method: clinical testing. Allele origin: germline.
Comment: This sequence change replaces asparagine, which is neutral and polar, with serine, which is neutral and polar, at codon 117 of the MDH2 protein (p.Asn117Ser). This variant is present in population databases (rs782678758, gnomAD 0.009%). This variant has not been reported in the literature in individuals affected with MDH2-related conditions. ClinVar contains an entry for this variant (Variation ID: 2180464). Invitae Evidence Modeling of protein sequence and biophysical properties (such as structural, functional, and spatial information, amino acid conservation, physicochemical variation, residue mobility, and thermodynamic stability) indicates that this missense variant is not expected to disrupt MDH2 protein function with a negative predictive value of 80%. In summary, the available evidence is currently insufficient to determine the role of this variant in disease. Therefore, it has been classified as a Variant of Uncertain Significance.

Ambry Genetics
Classification: Uncertain significance for Inborn genetic diseases. Last evaluated: 2025-08-14. Review status: criteria provided, single submitter. Criteria: Ambry Variant Classification Scheme 2023. Collection method: clinical testing. Allele origin: germline.